The following is an entry in ClinVar:

ClinVar aggregate classification (germline): Uncertain significance. Review status: criteria provided, multiple submitters, no conflicts (2 of 4 stars). 8 submissions from 8 submitters: Uncertain significance (8). Last evaluated 2026-04-01.

Conditions:
Cardiovascular phenotype. Identifiers: MedGen CN230736.
Neurogenic scapuloperoneal syndrome, Kaeser type (SCPNK). Also called: KAESER SYNDROME. Identifiers: Orphanet 85146, MedGen C1867005, MONDO:0008407, OMIM 181400.
Desmin-related myofibrillar myopathy (MFM1). Also called: Myofibrillar myopathy 1; MYOFIBRILLAR MYOPATHY WITH ARRHYTHMOGENIC RIGHT VENTRICULAR CARDIOMYOPATHY; DESMIN-RELATED MYOPATHY WITH ARRHYTHMOGENIC RIGHT VENTRICULAR CARDIOMYOPATHY; Desmin related myopathy (former name); Desmin storage myopathy (former name); Desminopathy. Identifiers: Orphanet 363543, Orphanet 98909, MedGen C1832370, MONDO:0011076, OMIM 601419.
Dilated cardiomyopathy 1I (CMD1I). Identifiers: Orphanet 154, MedGen C1858154, MONDO:0011482, OMIM 604765.
Cardiomyopathy (CMYO). Also called: Cardiomyopathies. Identifiers: Orphanet 167848, MedGen C0878544, MONDO:0004994, HP:0001638. Inheritance: Various modes of inheritance.

Allele frequency attached by ClinVar (database versions not stated): gnomAD exomes below 0.00001 and 0.00005; gnomAD 0.00002; TOPMed 0.00002.
gnomAD v4.1: 76 of 1,595,828 alleles (0.0048%); highest among the groups gnomAD compares: Non-Finnish European, 0.0065%; no homozygotes.

Submissions (8):

CeGaT Center for Human Genetics Tuebingen
Classification: Uncertain significance. Last evaluated: 2026-04-01. Review status: criteria provided, single submitter. Criteria: CeGaT Center For Human Genetics Tuebingen Variant Classification Criteria Version 2. Collection method: clinical testing. Allele origin: germline. Affected: yes. Observed: 1 variant allele.
Comment: DES: PM2, PM5, PP3

Labcorp Genetics (formerly Invitae), Labcorp
Classification: Uncertain significance for Desmin-related myofibrillar myopathy. Last evaluated: 2025-12-15. Review status: criteria provided, single submitter. Criteria: Invitae Variant Classification Sherloc (09022015). Collection method: clinical testing. Allele origin: germline.
Comment: This sequence change replaces threonine, which is neutral and polar, with asparagine, which is neutral and polar, at codon 442 of the DES protein (p.Thr442Asn). The frequency data for this variant in the population databases is considered unreliable, as metrics indicate poor data quality at this position in the gnomAD database. This variant has not been reported in the literature in individuals affected with DES-related conditions. ClinVar contains an entry for this variant (Variation ID: 626715). Invitae Evidence Modeling of protein sequence and biophysical properties (such as structural, functional, and spatial information, amino acid conservation, physicochemical variation, residue mobility, and thermodynamic stability) has been performed for this missense variant. However, the output from this modeling did not meet the statistical confidence thresholds required to predict the impact of this variant on DES protein function. This variant disrupts the p.Thr442 amino acid residue in DES. Other variant(s) that disrupt this residue have been determined to be pathogenic (PMID: 17221859, 18653338, 21262226, 22153487, 22215463). This suggests that this residue is clinically significant, and that variants that disrupt this residue are likely to be disease-causing. In summary, the available evidence is currently insufficient to determine the role of this variant in disease. Therefore, it has been classified as a Variant of Uncertain Significance.

Revvity Omics, Revvity
Classification: Uncertain significance. Last evaluated: 2025-02-20. Review status: criteria provided, single submitter. Criteria: ACMG Guidelines, 2015. Collection method: clinical testing. Allele origin: germline.

Women's Health and Genetics/Laboratory Corporation of America, LabCorp
Classification: Uncertain significance. Last evaluated: 2023-08-19. Review status: criteria provided, single submitter. Criteria: LabCorp Variant Classification Summary - May 2015. Collection method: clinical testing. Allele origin: germline.

CHEO Genetics Diagnostic Laboratory, Children's Hospital of Eastern Ontario
Classification: Uncertain significance for Cardiomyopathy. Last evaluated: 2022-07-04. Review status: criteria provided, single submitter. Criteria: ACMG Guidelines, 2015. Collection method: clinical testing. Allele origin: germline. Study: Canadian Open Genetics Repository.

Fulgent Genetics
Classification: Uncertain significance for Neurogenic scapuloperoneal syndrome, Kaeser type; Desmin-related myofibrillar myopathy; Dilated cardiomyopathy 1I. Last evaluated: 2021-11-21. Review status: criteria provided, single submitter. Criteria: ACMG Guidelines, 2015. Collection method: clinical testing. Allele origin: unknown.

GeneDx
Classification: Uncertain significance. Last evaluated: 2021-06-09. Review status: criteria provided, single submitter. Criteria: GeneDx Variant Classification Process June 2021. Collection method: clinical testing. Allele origin: germline. Affected: yes.
Comment: Has not been previously published as pathogenic or benign to our knowledge; Reported in ClinVar as a variant of uncertain significance (ClinVar Variant ID# 626715; Landrum et al., 2016); Not observed at significant frequency in large population cohorts (Lek et al., 2016); In silico analysis supports that this missense variant does not alter protein structure/function; This variant is associated with the following publications: (PMID: 26582918, 27535533)

Ambry Genetics
Classification: Uncertain significance for Cardiovascular phenotype. Last evaluated: 2019-09-05. Review status: criteria provided, single submitter. Criteria: Ambry Variant Classification Scheme 2023. Collection method: clinical testing. Allele origin: germline.
Comment: The p.T442N variant (also known as c.1325C>A), located in coding exon 8 of the DES gene, results from a C to A substitution at nucleotide position 1325. The threonine at codon 442 is replaced by asparagine, an amino acid with similar properties. A different variant affecting this codon (p.T442I, c.1325C>T) has been reported in association with desminopathy with cardiac and skeletal system involvement (B&auml;r H et al. Hum. Mutat., 2007 Apr;28:374-86). This amino acid position is not well conserved in available vertebrate species. In addition, the in silico prediction for this alteration is inconclusive. Since supporting evidence is limited at this time, the clinical significance of this alteration remains unclear.

Literature cited by the submitters: PubMed 17221859 (cited by Labcorp Genetics (formerly Invitae), Labcorp and Ambry Genetics); PubMed 18653338 (cited by Labcorp Genetics (formerly Invitae), Labcorp); PubMed 21262226 (cited by Labcorp Genetics (formerly Invitae), Labcorp); PubMed 22153487 (cited by Labcorp Genetics (formerly Invitae), Labcorp); PubMed 22215463 (cited by Labcorp Genetics (formerly Invitae), Labcorp and Ambry Genetics).

NM_001927.4(DES):c.1325C>A (p.Thr442Asn)

Gene: DES (desmin; plus strand). Cytogenetic location: 2q35.
Variant type: single nucleotide variant.
Coding change: c.1325C>A on transcript NM_001927.4 (MANE Select); coding-DNA position 1325, C replaced by A.
Protein change: p.Thr442Asn; replaces threonine 442 with asparagine.
Molecular consequence: missense variant.
Genome position (GRCh38, 1-based): chr2:219,425,699, C>A. VCF-style: chr2-219425699-C-A. GRCh37 (hg19) VCF-style: chr2-220290421-C-A.
Other names: c.1325C>A (LRG_380t1); short protein forms T442N.
Identifiers: ClinVar variation 626715 (VCV000626715.20), dbSNP rs121913005, ClinGen allele CA350698515.